The following is an entry in ClinVar:

NM_007294.4(BRCA1):c.4485-8C>T

Gene: BRCA1 (BRCA1 DNA repair associated; minus strand). Cytogenetic location: 17q21.31.
Variant type: single nucleotide variant.
Coding change: c.4485-8C>T on transcript NM_007294.4 (MANE Select); 8 bases into the intron before coding-DNA position 4485, C replaced by T.
Molecular consequence: intron variant.
Genome position (GRCh38, 1-based): chr17:43,074,529, G>A on the plus strand (C>T on the coding strand, the complement: BRCA1 is on the minus strand). VCF-style: chr17-43074529-G-A. GRCh37 (hg19) VCF-style: chr17-41226546-G-A.
Other names: p.?; IVS14-8C>T; c.1032-8C>T (NM_001408458.1, NM_001408461.1, NM_001408464.1 and 7 more transcripts); c.3594-8C>T (NM_001407967.1); c.4104-8C>T (NM_001407959.1); c.4218-8C>T (NM_001407931.1, NM_001407932.1, NM_001407928.1 and 4 more transcripts); c.4341-8C>T (NM_001407747.1, NM_001407745.1, NM_001407737.1 and 21 more transcripts); c.4101-8C>T (NM_001407962.1, NM_001407960.1); and 73 more.
Identifiers: ClinVar variation 37599 (VCV000037599.33), dbSNP rs397507234, ClinGen allele CA002880.

ClinVar aggregate classification (germline): Conflicting classifications of pathogenicity. Review status: criteria provided, conflicting classifications (1 of 4 stars). 12 submissions from 12 submitters: Uncertain significance (1); Benign (1); Likely benign (7). 3 of the submissions do not count toward it. Last evaluated 2025-12-02.

Conditions:
BRCA1-related cancer predisposition. Identifiers: MedGen CN377757, MONDO:0700268.
Hereditary cancer-predisposing syndrome. Also called: Tumor predisposition; Neoplastic Syndromes, Hereditary; Hereditary Cancer Syndrome; Hereditary neoplastic syndrome. Identifiers: Orphanet 140162, MedGen C0027672, MeSH D009386, MONDO:0015356.
Hereditary breast ovarian cancer syndrome. Also called: Hereditary breast and ovarian cancer syndrome (HBOC); Hereditary breast and ovarian cancer syndrome; Hereditary breast and ovarian cancer; Hereditary breast and/or ovarian cancer syndrome; Breast and ovarian cancer; BRCA1- and BRCA2-Associated Hereditary Breast and Ovarian Cancer. Identifiers: Orphanet 145, MedGen C0677776, MeSH D061325, MONDO:0003582. Disease mechanism: loss of function.
Breast-ovarian cancer, familial, susceptibility to, 1 (BROVCA1). Also called: OVARIAN CANCER, SUSCEPTIBILITY TO; BRCA1 Hereditary Breast and Ovarian Cancer. Identifiers: Orphanet 145, MedGen C2676676, MONDO:0011450, OMIM 604370. Disease mechanism: loss of function.

Allele frequency attached by ClinVar (database versions not stated): gnomAD exomes below 0.00001; gnomAD 0.00001 and 0.00002; TOPMed 0.00002.
gnomAD v4.1: 113 of 1,611,770 alleles (0.007%); highest among the groups gnomAD compares: Non-Finnish European, 0.0093%; no homozygotes.

Submissions (12):

Labcorp Genetics (formerly Invitae), Labcorp
Classification: Likely benign for Hereditary breast ovarian cancer syndrome. Last evaluated: 2025-12-02. Review status: criteria provided, single submitter. Criteria: Invitae Variant Classification Sherloc (09022015). Collection method: clinical testing. Allele origin: germline.

Women's Health and Genetics/Laboratory Corporation of America, LabCorp
Classification: Likely benign. Last evaluated: 2025-04-16. Review status: criteria provided, single submitter. Criteria: LabCorp Variant Classification Summary - May 2015. Collection method: clinical testing. Allele origin: germline.
Comment: Variant summary: BRCA1 c.4485-8C>T alters a non-conserved nucleotide located at a position not widely known to affect splicing. Consensus agreement among computation tools predict no significant impact on normal splicing. However, these predictions have yet to be confirmed by functional studies. The variant allele was found at a frequency of 4e-06 in 250888 control chromosomes. The available data on variant occurrences in the general population are insufficient to allow any conclusion about variant significance. c.4485-8C>T has been reported in the literature in affected individuals without strong evidence for or against pathogenicity (Lu_2012, Flower_2015 ). These report(s) do not provide unequivocal conclusions about association of the variant with Hereditary Breast And Ovarian Cancer Syndrome. To our knowledge, no experimental evidence demonstrating an impact on protein function has been reported. The following publications have been ascertained in the context of this evaluation (PMID: 26727311, 22476429, 33233347). ClinVar contains an entry for this variant (Variation ID: 37599). Based on the evidence outlined above, the variant was classified as likely benign.

Quest Diagnostics Nichols Institute San Juan Capistrano
Classification: Uncertain significance. Last evaluated: 2025-02-14. Review status: criteria provided, single submitter. Criteria: Quest Diagnostics criteria. Collection method: clinical testing. Allele origin: unknown.
Comment: The BRCA1 c.4485-8C>T variant has been reported in the published literature in a cohort of high-risk families with BRCA1/2 variants (PMID: 22476429 (2012)). A functional study of breast cancer tumors has reported the variant has an uncertain impact on protein function, however further studies are required to determine the global impact of this variant on BRCA1 protein function (PMID: 26727311 (2015)). The frequency of this variant in the general population (Genome Aggregation Database) is uninformative in the assessment of its pathogenicity. Analysis of this variant using software algorithms for the prediction of the effect of nucleotide changes on splicing yielded predictions that this variant does not affect BRCA1 mRNA splicing. Based on the available information, we are unable to determine the clinical significance of this variant.

Mayo Clinic Laboratories, Mayo Clinic
Classification: Likely benign. Last evaluated: 2024-12-24. Review status: criteria provided, single submitter. Criteria: ACMG Guidelines, 2015. Collection method: clinical testing. Allele origin: germline. Observed: 2 variant alleles.
Comment: BP4, BP5

All of Us Research Program, National Institutes of Health
Classification: Likely benign for BRCA1-related cancer predisposition. Last evaluated: 2024-05-14. Review status: criteria provided, single submitter. Criteria: ACMG Guidelines, 2015. Collection method: clinical testing. Allele origin: germline. Inheritance: Autosomal dominant inheritance. Observed: 6 variant alleles, 6 heterozygotes.
Comment: This study involves interpretation of variants in research participants for the purpose of population health screening. Participant phenotype was not available at the time of variant classification. Additional details can be found in publication PMID: 35346344, PMCID: PMC8962531

Blueprint Genetics
Classification: Likely benign. Last evaluated: 2024-03-19. Review status: criteria provided, single submitter. Criteria: ACMG Guidelines, 2015. Collection method: clinical testing. Allele origin: germline.

ARUP Laboratories, Molecular Genetics and Genomics, ARUP Laboratories
Classification: Likely benign. Last evaluated: 2023-01-26. Review status: criteria provided, single submitter. Criteria: ARUP Molecular Germline Variant Investigation Process 2024. Collection method: clinical testing. Allele origin: germline.

Color Diagnostics, LLC DBA Color Health
Classification: Likely benign for Hereditary cancer-predisposing syndrome. Last evaluated: 2017-08-09. Review status: criteria provided, single submitter. Criteria: ACMG Guidelines, 2015. Collection method: clinical testing. Allele origin: germline.

GeneDx
Classification: Benign. Last evaluated: 2015-07-23. Review status: criteria provided, single submitter. Criteria: GeneDx Variant Classification Process June 2021. Collection method: clinical testing. Allele origin: germline. Affected: yes.

Counsyl
Classification: Uncertain significance for Breast-ovarian cancer, familial, susceptibility to, 1. Last evaluated: 2015-12-29. Review status: no assertion criteria provided. Collection method: clinical testing. Allele origin: unknown. Not counted in ClinVar's aggregate classification.

Sharing Clinical Reports Project (SCRP)
Classification: Likely benign for Breast-ovarian cancer, familial 1. Last evaluated: 2011-08-12. Review status: no assertion criteria provided. Collection method: clinical testing. Allele origin: germline. Not counted in ClinVar's aggregate classification.

Department of Pathology and Laboratory Medicine, Sinai Health System
Classification: Uncertain significance. Review status: no assertion criteria provided. Collection method: clinical testing. Allele origin: unknown. Affected: yes. Study: The Canadian Open Genetics Repository (COGR). Not counted in ClinVar's aggregate classification.
Comment: The BRCA1 c.4485-8C>T variant was identified in 1 of 300 proband chromosomes (frequency: 0.003) from individuals or families with breast cancer (Flower 2015). The variant was also identified in the following databases: dbSNP (ID: rs397507234) as "With other allele", ClinVar (2x uncertain significance, 3x likely benign), Clinvitae, Cosmic (1x, confirmed somatic, in carcinoma of the ovary), and LOVD 3.0 (1x). The variant was classified as a likely benign variant by the Sharing Clinical Reports Project (SCRP, derived from Myriad reports). The variant was not identified in the following databases: COGR, MutDB, UMD-LSDB, BIC Database, ARUP Laboratories, or the Zhejiang University Database. The variant was identified in control databases in 2 of 276702 chromosomes at a frequency of 0.000007 (Genome Aggregation Database Feb 27, 2017). It was observed in the European population in 2 of 126368 chromosomes (freq: 0.00002); it was not observed in the African, Other, Latino, Ashkenazi Jewish, East Asian, Finnish, or South Asian populations. This variant was classified as â€šÃ„Ãºlikely non-pathogenic or of little clinical significanceâ€šÃ„Ã¹ based on the methylation profile in a breast tumour sample (Flower 2015). The c.4485-8C>T variant is located in the 3' splice region but does not affect the invariant -1 and -2 positions. However, positions -3 and -5 to -12 are part of the splicing consensus sequence and variants involving these positions sometimes affect splicing. However, in silico or computational prediction software programs (SpliceSiteFinder, MaxEntScan, NNSPLICE, GeneSplicer, HumanSpliceFinder) do not predict a difference in splicing. In summary, based on the above information the clinical significance of this variant cannot be determined with certainty at this time. This variant is classified as a variant of uncertain significance.

Literature cited by the submitters: PubMed 22476429 (cited by 4 submitters); PubMed 26727311 (cited by 3 submitters); PubMed 33233347 (cited by Women's Health and Genetics/Laboratory Corporation of America, LabCorp and Quest Diagnostics Nichols Institute San Juan Capistrano); PubMed 31131967 (cited by Mayo Clinic Laboratories, Mayo Clinic).